The following is an entry in ClinVar:

NM_000138.5(FBN1):c.6430A>C (p.Asn2144His)

Gene: FBN1 (fibrillin 1; minus strand). Cytogenetic location: 15q21.1.
Variant type: single nucleotide variant.
Coding change: c.6430A>C on transcript NM_000138.5 (MANE Select); coding-DNA position 6430, A replaced by C.
Protein change: p.Asn2144His; replaces asparagine 2144 with histidine.
Molecular consequence: missense variant.
Genome position (GRCh38, 1-based): chr15:48,437,027, T>G on the plus strand (A>C on the coding strand, the complement: FBN1 is on the minus strand). VCF-style: chr15-48437027-T-G. GRCh37 (hg19) VCF-style: chr15-48729224-T-G.
Other names: short protein forms N2144H.
Identifiers: ClinVar variation 263837 (VCV000263837.8), dbSNP rs886038943, ClinGen allele CA10587800.
Genomic context (GRCh38, chr15:48,437,027, plus strand): 5'-ATTCATTCCCTGCTAGAATATAACCAAAGGGACACTCGCAGCGATAGGAACCATCTGTAT[T>G]GATGCACTGTCCATGTTTACAGACATCGGGTTCTTTGCATTCGTCCATATCTTAAGCAAG-3'
Protein context (NP_000129.3, residues 2134-2154): PDVCKHGQCI[Asn2144His]TDGSYRCECP

ClinVar aggregate classification (germline): Likely pathogenic. Review status: criteria provided, multiple submitters, no conflicts (2 of 4 stars). 2 submissions from 2 submitters: Likely pathogenic (2). Last evaluated 2021-10-03.

Conditions:
Cardiovascular phenotype. Identifiers: MedGen CN230736.
Marfan syndrome (MFS). Also called: MARFAN SYNDROME, TYPE I; FBN1-Related Marfan Syndrome; Marfan syndrome, classic; Marfan syndrome type 1; Marfan's syndrome. Identifiers: Orphanet 284963, Orphanet 558, MedGen C0024796, MONDO:0007947, OMIM 154700.
Familial thoracic aortic aneurysm and aortic dissection (TAAD). Also called: Thoracic aortic aneurysms and dissections. Identifiers: Orphanet 91387, MedGen C4707243, MONDO:0019625.

Submissions (2):

Labcorp Genetics (formerly Invitae), Labcorp
Classification: Likely pathogenic for Marfan syndrome; Familial thoracic aortic aneurysm and aortic dissection. Last evaluated: 2021-10-03. Review status: criteria provided, single submitter. Criteria: Invitae Variant Classification Sherloc (09022015). Collection method: clinical testing. Allele origin: germline.
Comment: This sequence change replaces asparagine with histidine at codon 2144 of the FBN1 protein (p.Asn2144His). The asparagine residue is highly conserved and there is a small physicochemical difference between asparagine and histidine. This variant is not present in population databases (ExAC no frequency). This missense change has been observed in individual(s) with Marfan syndrome (Invitae). ClinVar contains an entry for this variant (Variation ID: 263837). Advanced modeling of protein sequence and biophysical properties (such as structural, functional, and spatial information, amino acid conservation, physicochemical variation, residue mobility, and thermodynamic stability) performed at Invitae indicates that this missense variant is expected to disrupt FBN1 protein function. This variant disrupts the p.Asn2144 amino acid residue in FBN1. Other variant(s) that disrupt this residue have been determined to be pathogenic (PMID: 7896820, 8504310, 11829507, 12938084, 16220557, 17657824). This suggests that this residue is clinically significant, and that variants that disrupt this residue are likely to be disease-causing. In summary, the currently available evidence indicates that the variant is pathogenic, but additional data are needed to prove that conclusively. Therefore, this variant has been classified as Likely Pathogenic.

Ambry Genetics
Classification: Likely pathogenic for Cardiovascular phenotype. Last evaluated: 2014-05-07. Review status: criteria provided, single submitter. Criteria: Ambry Autosomal Dominant and X-Linked criteria (10/2015). Collection method: clinical testing. Allele origin: germline. Observed: 1 variant allele.
Comment: The p.N2144H variant (also known as c.6430A>C), located in coding exon 52 of the FBN1 gene, results from an A to C substitution at nucleotide position 6430. The asparagine at codon 2144 is replaced by histidine, an amino acid with some similar properties.Two other alterations at the same codon in the cbEGF-like #32 domain, p.N2144D (c.6430A>G) and p.N2144S (c.6431A>G), have been reported previously in patients with Marfan syndrome; p.N2144S (also known as p.N1246S) affects calcium binding (Comgelio P et al. Hum Mutat. 2007;28(9):928; Hewett DR et al. Hum Mol Genet. 1993;2(4):475-477).This variant was not reported in population based cohorts in the following databases: Database of Single Nucleotide Polymorphisms (dbSNP), NHLBI Exome Sequencing Project (ESP), and 1000 Genomes Project.In the ESP, this variant was not observed in 6494 samples (12,988 alleles) with coverage at this position.This amino acid position is highly conserved in available vertebrate species. In addition, the in silico prediction for this alteration is inconclusive.Based on the majority of available evidence to date, the p.N2144H variant is likely to be pathogenic.

Literature cited by the submitters: PubMed 7896820 (cited by Labcorp Genetics (formerly Invitae), Labcorp); PubMed 8504310 (cited by Labcorp Genetics (formerly Invitae), Labcorp and Ambry Genetics); PubMed 11829507 (cited by Labcorp Genetics (formerly Invitae), Labcorp); PubMed 12938084 (cited by Labcorp Genetics (formerly Invitae), Labcorp); PubMed 16220557 (cited by Labcorp Genetics (formerly Invitae), Labcorp); PubMed 17657824 (cited by Labcorp Genetics (formerly Invitae), Labcorp and Ambry Genetics).